The following is an entry in ClinVar:

NM_003060.4(SLC22A5):c.1462del (p.Arg488fs)

Gene: SLC22A5 (solute carrier family 22 member 5; plus strand). Cytogenetic location: 5q31.1.
Variant type: Deletion.
Coding change: c.1462del on transcript NM_003060.4 (MANE Select); coding-DNA position 1462, one base deleted (C; older notation c.1462delC).
Protein change: p.Arg488fs; shifts the reading frame from arginine 488.
Molecular consequence: frameshift variant.
Genome position (GRCh38, 1-based): chr5:132,393,687, C deleted; the last of 2 consecutive C bases (chr5:132,393,686-132,393,687); deleting either gives the same sequence. VCF-style (leftmost placement, unchanged base first): chr5-132393685-AC-A. GRCh37 (hg19) VCF-style: chr5-131729377-AC-A.
Other names: c.1534del, p.Arg512fs (NM_001308122.2); short protein forms R488fs, R512fs.
Identifiers: ClinVar variation 2812902 (VCV002812902.3), dbSNP rs2532141227, ClinGen allele CA2739275054.

ClinVar aggregate classification (germline): Pathogenic (1 of 4 stars; one submission).

Conditions:
Renal carnitine transport defect (CDSP). Also called: Carnitine transporter deficiency; Carnitine Deficiency, Systemic; Systemic primary carnitine deficiency disease; CARNITINE DEFICIENCY, SYSTEMIC, DUE TO DEFECT IN RENAL REABSORPTION OF CARNITINE; CARNITINE TRANSPORTER, PLASMA-MEMBRANE, DEFICIENCY OF; CARNITINE UPTAKE DEFECT. Identifiers: Orphanet 158, MedGen C0342788, MONDO:0008919, OMIM 212140.

Submission:

Labcorp Genetics (formerly Invitae), Labcorp
Classification: Pathogenic for Renal carnitine transport defect. Last evaluated: 2024-08-29. Review status: criteria provided, single submitter. Criteria: Invitae Variant Classification Sherloc (09022015). Collection method: clinical testing. Allele origin: germline.
Comment: This sequence change creates a premature translational stop signal (p.Arg488Alafs*11) in the SLC22A5 gene. It is expected to result in an absent or disrupted protein product. Loss-of-function variants in SLC22A5 are known to be pathogenic (PMID: 9916797). This variant is not present in population databases (gnomAD no frequency). This variant has not been reported in the literature in individuals affected with SLC22A5-related conditions. For these reasons, this variant has been classified as Pathogenic.

Literature cited by the submitters: PubMed 9916797.